The following is an entry in ClinVar:

NM_206933.4(USH2A):c.2102C>G (p.Thr701Arg)

Gene: USH2A (usherin; minus strand). Cytogenetic location: 1q41.
Variant type: single nucleotide variant.
Coding change: c.2102C>G on transcript NM_206933.4 (MANE Select); coding-DNA position 2102, C replaced by G.
Protein change: p.Thr701Arg; replaces threonine 701 with arginine.
Molecular consequence: missense variant.
Genome position (GRCh38, 1-based): chr1:216,250,968, G>C on the plus strand (C>G on the coding strand, the complement: USH2A is on the minus strand). VCF-style: chr1-216250968-G-C. GRCh37 (hg19) VCF-style: chr1-216424310-G-C.
Other names: c.2102C>G, p.Thr701Arg (NM_007123.6); short protein forms T701R.
Identifiers: ClinVar variation 2840316 (VCV002840316.2), dbSNP rs2036148246, ClinGen allele CA344866279.

ClinVar aggregate classification (germline): Uncertain significance (1 of 4 stars; one submission).

Submission:

Labcorp Genetics (formerly Invitae), Labcorp
Classification: Uncertain significance. Last evaluated: 2023-02-23. Review status: criteria provided, single submitter. Criteria: Invitae Variant Classification Sherloc (09022015). Collection method: clinical testing. Allele origin: germline.
Comment: This variant is not present in population databases (gnomAD no frequency). This sequence change replaces threonine, which is neutral and polar, with arginine, which is basic and polar, at codon 701 of the USH2A protein (p.Thr701Arg). This variant has not been reported in the literature in individuals affected with USH2A-related conditions. In summary, the available evidence is currently insufficient to determine the role of this variant in disease. Therefore, it has been classified as a Variant of Uncertain Significance. Advanced modeling of protein sequence and biophysical properties (such as structural, functional, and spatial information, amino acid conservation, physicochemical variation, residue mobility, and thermodynamic stability) has been performed at Invitae for this missense variant, however the output from this modeling did not meet the statistical confidence thresholds required to predict the impact of this variant on USH2A protein function.